The following is an entry in ClinVar:

ClinVar aggregate classification (germline): Uncertain significance (1 of 4 stars; one submission).

Submission:

Labcorp Genetics (formerly Invitae), Labcorp
Classification: Uncertain significance. Last evaluated: 2025-05-09. Review status: criteria provided, single submitter. Criteria: Invitae Variant Classification Sherloc (09022015). Collection method: clinical testing. Allele origin: germline.
Comment: This sequence change creates a premature translational stop signal (p.Gly113Glufs*5) in the SLC25A32 gene. It is expected to result in an absent or disrupted protein product. However, the current clinical and genetic evidence is not sufficient to establish whether loss-of-function variants in SLC25A32 cause disease. This variant is not present in population databases (gnomAD no frequency). This variant has not been reported in the literature in individuals affected with SLC25A32-related conditions. ClinVar contains an entry for this variant (Variation ID: 3676897). In summary, the available evidence is currently insufficient to determine the role of this variant in disease. Therefore, it has been classified as a Variant of Uncertain Significance.

NM_030780.5(SLC25A32):c.333_336del (p.Gly113fs)

Gene: SLC25A32 (solute carrier family 25 member 32; minus strand). Cytogenetic location: 8q22.3.
Variant type: Deletion.
Coding change: c.333_336del on transcript NM_030780.5 (MANE Select); coding-DNA positions 333 to 336, 4 bases deleted (AGAA; older notation c.333_336delAGAA).
Protein change: p.Gly113fs; shifts the reading frame from glycine 113.
Molecular consequence: frameshift variant. On other transcripts: non-coding transcript variant (1).
Genome position (GRCh38, 1-based): chr8:103,404,831-103,404,834, TTCT deleted on the plus strand (AGAA on the coding strand, the reverse complement: SLC25A32 is on the minus strand). VCF-style (leftmost placement, unchanged base first): chr8-103404830-CTTCT-C. GRCh37 (hg19) VCF-style: chr8-104417058-CTTCT-C.
Other names: short protein forms G113fs.
Identifiers: ClinVar variation 3676897 (VCV003676897.2).